The following is an entry in ClinVar:

ClinVar aggregate classification (germline): Uncertain significance (1 of 4 stars; one submission).

Conditions:
GM3 synthase deficiency (SPDRS). Also called: SALT AND PEPPER DEVELOPMENTAL REGRESSION SYNDROME; SALT AND PEPPER MENTAL RETARDATION SYNDROME; AMISH INFANTILE EPILEPSY SYNDROME. Identifiers: Orphanet 171714, Orphanet 370933, MedGen C1836824, MONDO:0018274, OMIM 609056.

Allele frequency attached by ClinVar (database versions not stated): gnomAD exomes 0.00001.
gnomAD v4.1: 3 of 1,369,856 alleles (0.00022%); highest among the groups gnomAD compares: South Asian, 0.0016%; no homozygotes.

Submission:

Labcorp Genetics (formerly Invitae), Labcorp
Classification: Uncertain significance for GM3 synthase deficiency. Last evaluated: 2022-07-25. Review status: criteria provided, single submitter. Criteria: Invitae Variant Classification Sherloc (09022015). Collection method: clinical testing. Allele origin: germline.
Comment: This sequence change replaces arginine, which is basic and polar, with tryptophan, which is neutral and slightly polar, at codon 2 of the ST3GAL5 protein (p.Arg2Trp). This variant is not present in population databases (gnomAD no frequency). This variant has not been reported in the literature in individuals affected with ST3GAL5-related conditions. ClinVar contains an entry for this variant (Variation ID: 951435). Algorithms developed to predict the effect of missense changes on protein structure and function are either unavailable or do not agree on the potential impact of this missense change (SIFT: "Deleterious"; PolyPhen-2: "Benign"; Align-GVGD: "Class C0"). In summary, the available evidence is currently insufficient to determine the role of this variant in disease. Therefore, it has been classified as a Variant of Uncertain Significance.

NM_003896.4(ST3GAL5):c.4C>T (p.Arg2Trp)

Genes: ST3GAL5 (ST3 beta-galactoside alpha-2,3-sialyltransferase 5; minus strand), LOC129934236 (ATAC-STARR-seq lymphoblastoid silent region 11709; plus strand). Cytogenetic location: 2p11.2.
Variant type: single nucleotide variant.
Coding change: c.4C>T on transcript NM_003896.4 (MANE Select); coding-DNA position 4, C replaced by T.
Protein change: p.Arg2Trp; replaces arginine 2 with tryptophan.
Molecular consequence: missense variant. On other transcripts: 5 prime UTR variant (6).
Genome position (GRCh38, 1-based): chr2:85,888,902, G>A on the plus strand (C>T on the coding strand, the complement: ST3GAL5 is on the minus strand). VCF-style: chr2-85888902-G-A. GRCh37 (hg19) VCF-style: chr2-86116025-G-A.
Other names: c.-959C>T (NM_001354223.2); c.-621C>T (NM_001354224.2); c.-558C>T (NM_001354226.2); c.-268C>T (NM_001354227.2); c.-212C>T (NM_001354229.2); c.-998C>T (NM_001354233.2); c.4C>T, p.Arg2Trp (NM_001363847.1); short protein forms R2W.
Identifiers: ClinVar variation 951435 (VCV000951435.7), dbSNP rs1688076303, ClinGen allele CA347536212.